The following is an entry in ClinVar:

NM_001182.5(ALDH7A1):c.487A>G (p.Met163Val)

Gene: ALDH7A1 (aldehyde dehydrogenase 7 family member A1; minus strand). Cytogenetic location: 5q23.2.
Variant type: single nucleotide variant.
Coding change: c.487A>G on transcript NM_001182.5 (MANE Select); coding-DNA position 487, A replaced by G.
Protein change: p.Met163Val; replaces methionine 163 with valine.
Molecular consequence: missense variant.
Genome position (GRCh38, 1-based): chr5:126,582,881, T>C on the plus strand (A>G on the coding strand, the complement: ALDH7A1 is on the minus strand). VCF-style: chr5-126582881-T-C. GRCh37 (hg19) VCF-style: chr5-125918573-T-C.
Other names: c.403A>G, p.Met135Val (NM_001201377.2); c.487A>G, p.Met163Val (NM_001202404.2); short protein forms M135V, M163V.
Identifiers: ClinVar variation 1522414 (VCV001522414.8), dbSNP rs1484484387, ClinGen allele CA360731753.

ClinVar aggregate classification (germline): Uncertain significance (1 of 4 stars; one submission).

Conditions:
Pyridoxine-dependent epilepsy (EPEO4). Also called: Pyridoxine-Dependent Seizures; Pyridoxine-Dependent Epilepsy - ALDH7A1; PYRIDOXINE DEPENDENCY WITH SEIZURES; EPILEPSY, EARLY-ONSET, 4, VITAMIN B6-DEPENDENT. Identifiers: Orphanet 3006, MedGen C1849508, MONDO:0009945, OMIM 266100. Disease mechanism: loss of function.

Submission:

Labcorp Genetics (formerly Invitae), Labcorp
Classification: Uncertain significance for Pyridoxine-dependent epilepsy. Last evaluated: 2024-08-12. Review status: criteria provided, single submitter. Criteria: Invitae Variant Classification Sherloc (09022015). Collection method: clinical testing. Allele origin: germline.
Comment: This sequence change replaces methionine, which is neutral and non-polar, with valine, which is neutral and non-polar, at codon 163 of the ALDH7A1 protein (p.Met163Val). This variant is not present in population databases (gnomAD no frequency). This variant has not been reported in the literature in individuals affected with ALDH7A1-related conditions. ClinVar contains an entry for this variant (Variation ID: 1522414). Advanced modeling of protein sequence and biophysical properties (such as structural, functional, and spatial information, amino acid conservation, physicochemical variation, residue mobility, and thermodynamic stability) has been performed at Invitae for this missense variant, however the output from this modeling did not meet the statistical confidence thresholds required to predict the impact of this variant on ALDH7A1 protein function. In summary, the available evidence is currently insufficient to determine the role of this variant in disease. Therefore, it has been classified as a Variant of Uncertain Significance.